The following is an entry in ClinVar:

ClinVar aggregate classification (germline): Uncertain significance. Review status: criteria provided, multiple submitters, no conflicts (2 of 4 stars). 3 submissions from 3 submitters: Uncertain significance (3). Last evaluated 2025-09-12.

Conditions:
Familial hypercholesterolemia. Also called: Familial hypercholesterolemias; Familial hypercholesterolaemia. Identifiers: MedGen C0020445, MONDO:0005439.
Hypercholesterolemia, autosomal dominant, 3 (FHCL3). Also called: Familial Hypercholesterolemia, Autosomal Dominant, 3; PCSK9-Related Familial Hypercholesterolemia, Autosomal Dominant; Familial hypercholesterolemia 3. Identifiers: MedGen C1863551, MONDO:0011369, OMIM 603776.

Allele frequency attached by ClinVar (database versions not stated): gnomAD exomes below 0.00001 and 0.00001; ExAC 0.00001; gnomAD 0.00003 and 0.00004; TOPMed 0.00005; ESP Exome Variant Server 0.00015.
gnomAD v4.1: 11 of 1,613,064 alleles (0.00068%); highest among the groups gnomAD compares: African/African-American, 0.013%; no homozygotes.

Submissions (3):

Labcorp Genetics (formerly Invitae), Labcorp
Classification: Uncertain significance for Hypercholesterolemia, autosomal dominant, 3. Last evaluated: 2025-09-12. Review status: criteria provided, single submitter. Criteria: Invitae Variant Classification Sherloc (09022015). Collection method: clinical testing. Allele origin: germline.
Comment: This sequence change replaces valine, which is neutral and non-polar, with leucine, which is neutral and non-polar, at codon 233 of the PCSK9 protein (p.Val233Leu). This variant is present in population databases (rs150169598, gnomAD 0.01%). This variant has not been reported in the literature in individuals affected with PCSK9-related conditions. ClinVar contains an entry for this variant (Variation ID: 1057244). Invitae Evidence Modeling of protein sequence and biophysical properties (such as structural, functional, and spatial information, amino acid conservation, physicochemical variation, residue mobility, and thermodynamic stability) indicates that this missense variant is not expected to disrupt PCSK9 protein function with a negative predictive value of 80%. In summary, the available evidence is currently insufficient to determine the role of this variant in disease. Therefore, it has been classified as a Variant of Uncertain Significance.

Color Diagnostics, LLC DBA Color Health
Classification: Uncertain significance for Familial hypercholesterolemia. Last evaluated: 2025-02-03. Review status: criteria provided, single submitter. Criteria: ACMG Guidelines, 2015. Collection method: clinical testing. Allele origin: germline.
Comment: This missense variant replaces valine with leucine at codon 233 of the PCSK9 protein. Computational prediction tool is inconclusive regarding the impact of this variant on protein structure and function. To our knowledge, functional studies have not been reported for this variant. This variant has not been reported in individuals affected with PCSK9-related disorders in the literature. This variant has been identified in 4/280750 chromosomes in the general population by the Genome Aggregation Database (gnomAD). The available evidence is insufficient to determine the role of this variant in disease conclusively. Therefore, this variant is classified as a Variant of Uncertain Significance.

All of Us Research Program, National Institutes of Health
Classification: Uncertain significance for Hypercholesterolemia, autosomal dominant, 3. Last evaluated: 2024-01-11. Review status: criteria provided, single submitter. Criteria: ACMG Guidelines, 2015. Collection method: clinical testing. Allele origin: germline. Inheritance: Autosomal dominant inheritance. Observed: 4 variant alleles, 4 heterozygotes.
Comment: This missense variant replaces valine with leucine at codon 233 of the PCSK9 protein. Computational prediction is inconclusive regarding the impact of this variant on protein structure and function (internally defined REVEL score threshold 0.5 < inconclusive < 0.7, PMID: 27666373). To our knowledge, functional studies have not been reported for this variant. This variant has not been reported in individuals affected with familial hypercholesterolemia in the literature. This variant has been identified in 4/280750 chromosomes in the general population by the Genome Aggregation Database (gnomAD). The available evidence is insufficient to determine the role of this variant in disease conclusively. Therefore, this variant is classified as a Variant of Uncertain Significance.

This study involves interpretation of variants in research participants for the purpose of population health screening. Participant phenotype was not available at the time of variant classification. Additional details can be found in publication PMID: 35346344, PMCID: PMC8962531

NM_174936.4(PCSK9):c.697G>T (p.Val233Leu)

Gene: PCSK9 (proprotein convertase subtilisin/kexin type 9; plus strand). Cytogenetic location: 1p32.3.
Variant type: single nucleotide variant.
Coding change: c.697G>T on transcript NM_174936.4 (MANE Select); coding-DNA position 697, G replaced by T.
Protein change: p.Val233Leu; replaces valine 233 with leucine.
Molecular consequence: missense variant.
Genome position (GRCh38, 1-based): chr1:55,052,689, G>T. VCF-style: chr1-55052689-G-T. GRCh37 (hg19) VCF-style: chr1-55518362-G-T.
Other names: c.820G>T, p.Val274Leu (NM_001407240.1); c.697G>T, p.Val233Leu (NM_001407241.1, NM_001407244.1, NM_001407247.1); c.700G>T, p.Val234Leu (NM_001407242.1); c.640G>T, p.Val214Leu (NM_001407243.1); c.505G>T, p.Val169Leu (NM_001407245.1); c.322G>T, p.Val108Leu (NM_001407246.1); short protein forms V233L, V214L, V274L, V108L, V169L, V234L.
Identifiers: ClinVar variation 1057244 (VCV001057244.13), dbSNP rs150169598, ClinGen allele CA044010.